The following is an entry in ClinVar:

ClinVar aggregate classification (germline): Likely benign. Review status: criteria provided, single submitter (1 of 4 stars). 2 submissions from 2 submitters: Likely benign (1). 1 of the submissions does not count toward it. Last evaluated 2018-01-22.

Conditions:
PKD1-related disorder. Also called: PKD1-related condition.

Allele frequency attached by ClinVar (database versions not stated): gnomAD 0.00001; TOPMed 0.00001.
gnomAD v4.1: 22 of 1,546,960 alleles (0.0014%); highest among the groups gnomAD compares: Admixed American, 0.025%; no homozygotes.

Submissions (2):

Blueprint Genetics
Classification: Likely benign. Last evaluated: 2018-01-22. Review status: criteria provided, single submitter. Criteria: ACMG Guidelines, 2015. Collection method: clinical testing. Allele origin: germline.

PreventionGenetics, part of Exact Sciences
Classification: Likely benign for PKD1-related condition. Last evaluated: 2020-02-20. Review status: no assertion criteria provided. Collection method: clinical testing. Allele origin: germline. Not counted in ClinVar's aggregate classification.
Comment: This variant is classified as likely benign based on ACMG/AMP sequence variant interpretation guidelines (Richards et al. 2015 PMID: 25741868, with internal and published modifications).

NM_001009944.3(PKD1):c.6993G>A (p.Ala2331=)

Gene: PKD1 (polycystin 1, transient receptor potential channel interacting; minus strand). Cytogenetic location: 16p13.3.
Variant type: single nucleotide variant.
Coding change: c.6993G>A on transcript NM_001009944.3 (MANE Select); coding-DNA position 6993, G replaced by A.
Protein change: p.Ala2331=; no amino-acid change (alanine 2331 retained).
Molecular consequence: synonymous variant.
Genome position (GRCh38, 1-based): chr16:2,107,955, C>T on the plus strand (G>A on the coding strand, the complement: PKD1 is on the minus strand). VCF-style: chr16-2107955-C-T. GRCh37 (hg19) VCF-style: chr16-2157956-C-T.
Other names: c.6993G>A, p.Ala2331= (NM_000296.4).
Identifiers: ClinVar variation 3051783 (VCV003051783.3), dbSNP rs1234218919, ClinGen allele CA492971207.